The following is an entry in ClinVar:

NM_018344.6(SLC29A3):c.347T>G (p.Met116Arg)

Genes: SLC29A3 (solute carrier family 29 member 3; plus strand), LOC105378353 (uncharacterized LOC105378353; minus strand). Cytogenetic location: 10q22.1.
Variant type: single nucleotide variant.
Coding change: c.347T>G on transcript NM_018344.6 (MANE Select); coding-DNA position 347, T replaced by G.
Protein change: p.Met116Arg; replaces methionine 116 with arginine.
Molecular consequence: missense variant.
Genome position (GRCh38, 1-based): chr10:71,344,255, T>G. VCF-style: chr10-71344255-T-G. GRCh37 (hg19) VCF-style: chr10-73104012-T-G.
Other names: c.347T>G, p.Met116Arg (NM_001174098.2); c.113T>G, p.Met38Arg (NM_001363518.2); short protein forms M116R, M38R.
Identifiers: ClinVar variation 568 (VCV000000568.8), dbSNP rs267607057, ClinGen allele CA114353.

ClinVar aggregate classification (germline): Likely pathogenic. Review status: criteria provided, single submitter (1 of 4 stars). 2 submissions from 2 submitters: Likely pathogenic (1). 1 of the submissions does not count toward it. Last evaluated 2025-07-29.

Conditions:
H syndrome. Also called: FAISALABAD HISTIOCYTOSIS; HISTIOCYTOSIS AND LYMPHADENOPATHY WITH OR WITHOUT CUTANEOUS, CARDIAC, AND/OR ENDOCRINE FEATURES, JOINT CONTRACTURES, AND/OR DEAFNESS; HYPERPIGMENTATION, CUTANEOUS, WITH HYPERTRICHOSIS, HEPATOSPLENOMEGALY, HEART ANOMALIES, AND HYPOGONADISM WITH OR WITHOUT HEARING LOSS; PIGMENTED HYPERTRICHOSIS WITH INSULIN-DEPENDENT DIABETES MELLITUS; ROSAI-DORFMAN DISEASE, FAMILIAL; SINUS HISTIOCYTOSIS AND MASSIVE LYMPHADENOPATHY. Identifiers: Orphanet 168569, MedGen C1864445, MONDO:0011273, OMIM 602782.

Allele frequency attached by ClinVar (database versions not stated): gnomAD exomes 0.00002 and 0.00012; ESP Exome Variant Server 0.00008; gnomAD 0.00008; ExAC 0.00002; TOPMed 0.00004.

Submissions (3):

Labcorp Genetics (formerly Invitae), Labcorp
Classification: Likely pathogenic for H syndrome. Last evaluated: 2025-07-29. Review status: criteria provided, single submitter. Criteria: Invitae Variant Classification Sherloc (09022015). Collection method: clinical testing. Allele origin: germline.
Comment: This sequence change replaces methionine, which is neutral and non-polar, with arginine, which is basic and polar, at codon 116 of the SLC29A3 protein (p.Met116Arg). This variant is present in population databases (rs267607057, gnomAD 0.006%). This missense change has been observed in individual(s) with clinical features of SLC29A3-related conditions (PMID: 19336477, 29041934; internal data). In at least one individual the data is consistent with being in trans (on the opposite chromosome) from a pathogenic variant. ClinVar contains an entry for this variant (Variation ID: 568). Invitae Evidence Modeling of protein sequence and biophysical properties (such as structural, functional, and spatial information, amino acid conservation, physicochemical variation, residue mobility, and thermodynamic stability) indicates that this missense variant is not expected to disrupt SLC29A3 protein function with a negative predictive value of 80%. Experimental studies have shown that this missense change affects SLC29A3 function (PMID: 20595384). In summary, the currently available evidence indicates that the variant is pathogenic, but additional data are needed to prove that conclusively. Therefore, this variant has been classified as Likely Pathogenic.

OMIM
Classification: Pathogenic for HISTIOCYTOSIS-LYMPHADENOPATHY PLUS SYNDROME. Last evaluated: 2010-09-03. Review status: no assertion criteria provided. Collection method: literature only. Allele origin: germline. Not counted in ClinVar's aggregate classification.

Dr. Peter K. Rogan Lab, Western University
No classification provided (evidence only). Condition: Clear cell carcinoma of kidney. Review status: no classification provided. Collection method: in vitro. Allele origin: not applicable. Functional consequence: skipped exon. Not counted in ClinVar's aggregate classification.

Literature cited by the submitters: PubMed 19336477 (cited by Labcorp Genetics (formerly Invitae), Labcorp and OMIM); PubMed 29041934 (cited by Labcorp Genetics (formerly Invitae), Labcorp); PubMed 20595384 (cited by Labcorp Genetics (formerly Invitae), Labcorp and OMIM); PubMed 17461801 (cited by OMIM).